The following is an entry in ClinVar:

NM_001170535.3(ATAD3A):c.56C>T (p.Pro19Leu)

Gene: ATAD3A (ATPase family AAA domain containing 3A; plus strand). Cytogenetic location: 1p36.33.
Variant type: single nucleotide variant.
Coding change: c.56C>T on transcript NM_001170535.3 (MANE Select); coding-DNA position 56, C replaced by T.
Protein change: p.Pro19Leu; replaces proline 19 with leucine.
Molecular consequence: missense variant.
Genome position (GRCh38, 1-based): chr1:1,512,324, C>T. VCF-style: chr1-1512324-C-T. GRCh37 (hg19) VCF-style: chr1-1447704-C-T.
Other names: c.56C>T, p.Pro19Leu (NM_018188.5); short protein forms P19L.
Identifiers: ClinVar variation 4886609 (VCV004886609.3).
Genomic context (GRCh38, chr1:1,512,324, plus strand): 5'-CGAGCATGTCGTGGCTCTTCGGCATTAACAAGGGCCCCAAGGGTGAAGGCGCGGGGCCGC[C>T]GCCGCCTTTGCCGCCCGCGCAGCCCGGGGCCGAGGGCGGCGGGGACCGCGGGTTGGGAGA-3'
Protein context (NP_001164006.1, residues 9-29): KGPKGEGAGP[Pro19Leu]PPLPPAQPGA

ClinVar aggregate classification (germline): Uncertain significance. Review status: criteria provided, multiple submitters, no conflicts (2 of 4 stars). 2 submissions from 2 submitters: Uncertain significance (2). Last evaluated 2025-12-28.

Submissions (2):

Dasa
Classification: Uncertain significance. Last evaluated: 2025-12-28. Review status: criteria provided, single submitter. Criteria: DASA Assertion Criteria. Collection method: clinical testing. Allele origin: germline.
Comment: NM_001170535.3(ATAD3A):c.56C>T (p.Pro19Leu) is a missense variant that results in the substitution of proline with leucine. This variant is rare in population databases. The currently available literature and clinical evidence are not sufficient to establish a definitive association between this variant and the reported condition. Therefore, this variant is classified as a variant of uncertain significance.

Blueprint Genetics
Classification: Uncertain significance. Last evaluated: 2024-02-08. Review status: criteria provided, single submitter. Criteria: ACMG Guidelines, 2015. Collection method: clinical testing. Allele origin: germline.